The following is an entry in ClinVar:

NM_001378454.1(ALMS1):c.8260T>A (p.Phe2754Ile)

Gene: ALMS1 (ALMS1 centrosome and basal body associated protein; plus strand). Cytogenetic location: 2p13.1.
Variant type: single nucleotide variant.
Coding change: c.8260T>A on transcript NM_001378454.1 (MANE Select); coding-DNA position 8260, T replaced by A.
Protein change: p.Phe2754Ile; replaces phenylalanine 2754 with isoleucine.
Molecular consequence: missense variant.
Genome position (GRCh38, 1-based): chr2:73,490,219, T>A. VCF-style: chr2-73490219-T-A. GRCh37 (hg19) VCF-style: chr2-73717346-T-A.
Other names: c.8263T>A, p.Phe2755Ile (NM_015120.4); short protein forms F2755I, F2754I.
Identifiers: ClinVar variation 2184805 (VCV002184805.4), dbSNP rs2466214979, ClinGen allele CA347268025.

ClinVar aggregate classification (germline): Uncertain significance (1 of 4 stars; one submission).

Conditions:
Alstrom syndrome (ALMS). Identifiers: Orphanet 64, MedGen C0268425, MONDO:0008763, OMIM 203800.

Submission:

Labcorp Genetics (formerly Invitae), Labcorp
Classification: Uncertain significance for Alstrom syndrome. Last evaluated: 2024-11-05. Review status: criteria provided, single submitter. Criteria: Invitae Variant Classification Sherloc (09022015). Collection method: clinical testing. Allele origin: germline.
Comment: This sequence change replaces phenylalanine, which is neutral and non-polar, with isoleucine, which is neutral and non-polar, at codon 2755 of the ALMS1 protein (p.Phe2755Ile). This variant is not present in population databases (gnomAD no frequency). This variant has not been reported in the literature in individuals affected with ALMS1-related conditions. ClinVar contains an entry for this variant (Variation ID: 2184805). Experimental studies and prediction algorithms are not available or were not evaluated, and the functional significance of this variant is currently unknown. In summary, the available evidence is currently insufficient to determine the role of this variant in disease. Therefore, it has been classified as a Variant of Uncertain Significance.